The following is an entry in ClinVar:

NM_024577.4(SH3TC2):c.2146C>T (p.Gln716Ter)

Gene: SH3TC2 (SH3 domain and tetratricopeptide repeats 2; minus strand). Cytogenetic location: 5q32.
Variant type: single nucleotide variant.
Coding change: c.2146C>T on transcript NM_024577.4 (MANE Select); coding-DNA position 2146, C replaced by T.
Protein change: p.Gln716Ter; replaces glutamine 716 with a stop codon.
Molecular consequence: nonsense.
Genome position (GRCh38, 1-based): chr5:149,027,586, G>A on the plus strand (C>T on the coding strand, the complement: SH3TC2 is on the minus strand). VCF-style: chr5-149027586-G-A. GRCh37 (hg19) VCF-style: chr5-148407149-G-A.
Other names: short protein forms Q716*.
Identifiers: ClinVar variation 583373 (VCV000583373.7), dbSNP rs1561764925, ClinGen allele CA361666981.

ClinVar aggregate classification (germline): Pathogenic (1 of 4 stars; one submission).

Conditions:
Charcot-Marie-Tooth disease type 4. Also called: Charcot-Marie-Tooth disease, type IV; Charcot-Marie-Tooth, Type 4. Identifiers: Orphanet 64749, MedGen C4082197, MONDO:0018995.

gnomAD v4.1: 1 of 1,614,266 alleles (0.000062%); highest among the groups gnomAD compares: Admixed American, 0.0017%; no homozygotes.

Submission:

Labcorp Genetics (formerly Invitae), Labcorp
Classification: Pathogenic for Charcot-Marie-Tooth disease type 4. Last evaluated: 2024-04-03. Review status: criteria provided, single submitter. Criteria: Invitae Variant Classification Sherloc (09022015). Collection method: clinical testing. Allele origin: germline.
Comment: This sequence change creates a premature translational stop signal (p.Gln716*) in the SH3TC2 gene. It is expected to result in an absent or disrupted protein product. Loss-of-function variants in SH3TC2 are known to be pathogenic (PMID: 20220177, 27068304). This variant is not present in population databases (gnomAD no frequency). This premature translational stop signal has been observed in individual(s) with SH3TC2-related conditions (Invitae). ClinVar contains an entry for this variant (Variation ID: 583373). For these reasons, this variant has been classified as Pathogenic.

Literature cited by the submitters: PubMed 20220177; PubMed 27068304.